The following is an entry in ClinVar:

ClinVar aggregate classification (germline): Uncertain significance (1 of 4 stars; one submission).

Conditions:
Bardet-Biedl syndrome 3 (BBS3). Identifiers: Orphanet 110, MedGen C1859564, MONDO:0010832, OMIM 600151.
Retinitis pigmentosa 55 (RP55). Identifiers: Orphanet 791, MedGen C3150808, MONDO:0013312, OMIM 613575.

Submission:

Labcorp Genetics (formerly Invitae), Labcorp
Classification: Uncertain significance for Retinitis pigmentosa 55; Bardet-Biedl syndrome 3. Last evaluated: 2022-09-26. Review status: criteria provided, single submitter. Criteria: Invitae Variant Classification Sherloc (09022015). Collection method: clinical testing. Allele origin: germline.
Comment: Algorithms developed to predict the effect of missense changes on protein structure and function (SIFT, PolyPhen-2, Align-GVGD) all suggest that this variant is likely to be tolerated. This variant has not been reported in the literature in individuals affected with ARL6-related conditions. In summary, the available evidence is currently insufficient to determine the role of this variant in disease. Therefore, it has been classified as a Variant of Uncertain Significance. This variant is not present in population databases (gnomAD no frequency). This sequence change replaces lysine, which is basic and polar, with arginine, which is basic and polar, at codon 36 of the ARL6 protein (p.Lys36Arg).

NM_001278293.3(ARL6):c.107A>G (p.Lys36Arg)

Gene: ARL6 (ARF like GTPase 6; plus strand). Cytogenetic location: 3q11.2.
Variant type: single nucleotide variant.
Coding change: c.107A>G on transcript NM_001278293.3 (MANE Select); coding-DNA position 107, A replaced by G.
Protein change: p.Lys36Arg; replaces lysine 36 with arginine.
Molecular consequence: missense variant. On other transcripts: non-coding transcript variant (7).
Genome position (GRCh38, 1-based): chr3:97,768,214, A>G. VCF-style: chr3-97768214-A-G. GRCh37 (hg19) VCF-style: chr3-97487058-A-G.
Other names: c.107A>G, p.Lys36Arg (NM_001323513.2, NM_001323514.2, NM_032146.5 and 1 more transcripts); short protein forms K36R.
Identifiers: ClinVar variation 2115311 (VCV002115311.4), dbSNP rs2529767379, ClinGen allele CA353582696.